The following is an entry in ClinVar:

NM_001048174.2(MUTYH):c.850-5C>G

Gene: MUTYH (mutY DNA glycosylase; minus strand). Cytogenetic location: 1p34.1.
Variant type: single nucleotide variant.
Coding change: c.850-5C>G on transcript NM_001048174.2 (MANE Select); 5 bases into the intron before coding-DNA position 850, C replaced by G.
Molecular consequence: intron variant.
Genome position (GRCh38, 1-based): chr1:45,332,091, G>C on the plus strand (C>G on the coding strand, the complement: MUTYH is on the minus strand). VCF-style: chr1-45332091-G-C. GRCh37 (hg19) VCF-style: chr1-45797763-G-C.
Other names: c.850-5C>G (NM_001407072.1, NM_001407073.1, NM_001048171.2 and 6 more transcripts); c.505-5C>G (NM_001350651.2, NM_001350650.2, NM_001407082.1); c.574-5C>G (NM_001293192.2, NM_001293196.2, NM_001407091.1); c.895-5C>G (NM_001293190.2); c.883-5C>G (NM_001407069.1, NM_001407077.1, NM_001293191.2); c.925-5C>G (NM_012222.3); c.934-5C>G (NM_001128425.2); c.853-5C>G (NM_001407071.1, NM_001048172.2, NM_001407078.1 and 1 more transcripts); and 5 more.
Identifiers: ClinVar variation 2567632 (VCV002567632.2), dbSNP rs767715645, ClinGen allele CA059725.

ClinVar aggregate classification (germline): Uncertain significance (1 of 4 stars; one submission).

Conditions:
Hereditary cancer-predisposing syndrome. Also called: Hereditary neoplastic syndrome; Hereditary Cancer Syndrome; Neoplastic Syndromes, Hereditary; Tumor predisposition. Identifiers: Orphanet 140162, MedGen C0027672, MeSH D009386, MONDO:0015356.

Allele frequency attached by ClinVar (database versions not stated): gnomAD exomes below 0.00001; ExAC 0.00001.

Submission:

Ambry Genetics
Classification: Uncertain significance for Hereditary cancer-predisposing syndrome. Last evaluated: 2023-03-22. Review status: criteria provided, single submitter. Criteria: Ambry Variant Classification Scheme 2023. Collection method: clinical testing. Allele origin: germline.
Comment: The c.934-5C>G intronic variant results from a C to G substitution 5 nucleotides upstream from coding exon 11 in the MUTYH gene. This nucleotide position is not well conserved in available vertebrate species. In silico splice site analysis predicts that this alteration will not have any significant effect on splicing. Since supporting evidence is limited at this time, the clinical significance of this alteration remains unclear.